The following is an entry in ClinVar:

NM_001009931.3(HRNR):c.7002C>A (p.Gly2334=)

Genes: CCDST (cervical cancer associated DHX9 suppressive transcript; plus strand), HRNR (hornerin; minus strand). Cytogenetic location: 1q21.3.
Variant type: single nucleotide variant.
Coding change: c.7002C>A on transcript NM_001009931.3 (MANE Select); coding-DNA position 7002, C replaced by A.
Protein change: p.Gly2334=; no amino-acid change (glycine 2334 retained).
Molecular consequence: synonymous variant.
Genome position (GRCh38, 1-based): chr1:152,214,627, G>T on the plus strand (C>A on the coding strand, the complement: HRNR is on the minus strand). VCF-style: chr1-152214627-G-T. GRCh37 (hg19) VCF-style: chr1-152187103-G-T.
Identifiers: ClinVar variation 2639199 (VCV002639199.24), dbSNP rs763057083, ClinGen allele CA1100205.
Genomic context (GRCh38, chr1:152,214,627, plus strand): 5'-GTAACCAGAGGACTGCCATGAGCTAGACTCGTGGTGACCAAATCCAGAAGACTGACCTGA[G>T]CCAGACCCATGTCGGCCACTGCTGGAAGACCAACCGGAGCCAGACCCATGTTGGCCGTAG-3'
Protein context (NP_001009931.1, residues 2324-2344): WSSSSGRHGS[Gly2334=]SGQSSGFGHH

ClinVar aggregate classification (germline): Likely benign (1 of 4 stars; one submission).

Allele frequency attached by ClinVar (database versions not stated): ExAC 0.00003.

Submission:

CeGaT Center for Human Genetics Tuebingen
Classification: Likely benign. Last evaluated: 2022-11-01. Review status: criteria provided, single submitter. Criteria: CeGaT Center For Human Genetics Tuebingen Variant Classification Criteria Version 2. Collection method: clinical testing. Allele origin: germline. Affected: yes. Observed: 1 variant allele.
Comment: HRNR: BP4, BP7